The following is an entry in ClinVar:

ClinVar aggregate classification (germline): Pathogenic (1 of 4 stars; one submission).

Conditions:
Hereditary spastic paraplegia 30. Identifiers: Orphanet 101010, MedGen C5235139, MONDO:0012476.
Neuropathy, hereditary sensory, type 2C. Also called: KIF1A-Related HSAN2 (HSAN2C); Hereditary sensory and autonomic neuropathy type IIC. Identifiers: Orphanet 970, MedGen C3280168, MONDO:0013634, OMIM 614213.
Intellectual disability, autosomal dominant 9 (NESCAVS). Also called: KIF1A-Related Neurodevelopmental Disorder; NESCAV SYNDROME. Identifiers: Orphanet 662367, MedGen C5393830, MONDO:0013656, OMIM 614255.

Submission:

Labcorp Genetics (formerly Invitae), Labcorp
Classification: Pathogenic for Hereditary spastic paraplegia 30; Neuropathy, hereditary sensory, type 2C; Intellectual disability, autosomal dominant 9. Last evaluated: 2021-08-11. Review status: criteria provided, single submitter. Criteria: Invitae Variant Classification Sherloc (09022015). Collection method: clinical testing. Allele origin: germline.
Comment: This variant is a gross deletion of the genomic region encompassing exon(s) 26-35 of the KIF1A gene. This deletion is out-of-frame, and is expected to create a premature termination codon and result in an absent or disrupted protein product. Loss-of-function variants in KIF1A are known to be pathogenic (PMID: 21820098). This variant has not been reported in the literature in individuals affected with KIF1A-related conditions. For these reasons, this variant has been classified as Pathogenic.

Literature cited by the submitters: PubMed 21820098.

NC_000002.11:g.(?_241676460)_(241686758_?)del

Gene: KIF1A (kinesin family member 1A; minus strand). Cytogenetic location: 2q37.3.
Variant type: Deletion.
Identifiers: ClinVar variation 1460332 (VCV001460332.6).